The following is an entry in ClinVar:

NM_001083962.2(TCF4):c.1469C>G (p.Pro490Arg)

Gene: TCF4 (transcription factor 4; minus strand). Cytogenetic location: 18q21.2.
Variant type: single nucleotide variant.
Coding change: c.1469C>G on transcript NM_001083962.2 (MANE Select); coding-DNA position 1469, C replaced by G.
Protein change: p.Pro490Arg; replaces proline 490 with arginine.
Molecular consequence: missense variant.
Genome position (GRCh38, 1-based): chr18:55,234,565, G>C on the plus strand (C>G on the coding strand, the complement: TCF4 is on the minus strand). VCF-style: chr18-55234565-G-C. GRCh37 (hg19) VCF-style: chr18-52901796-G-C.
Other names: c.989C>G, p.Pro330Arg (NM_001243234.2, NM_001243235.2, NM_001243236.2 and 1 more transcripts); c.1397C>G, p.Pro466Arg (NM_001306207.1, NM_001369575.1, NM_001243227.2 and 5 more transcripts); c.1256C>G, p.Pro419Arg (NM_001306208.1, NM_001243232.1); c.1466C>G, p.Pro489Arg (NM_001330604.3, NM_001369570.1, NM_001369574.1 and 2 more transcripts); c.1079C>G, p.Pro360Arg (NM_001330605.3, NM_001348212.2, NM_001348213.2 and 1 more transcripts); c.1469C>G, p.Pro490Arg (NM_001369571.1, NM_001369567.1, NM_001369568.1 and 2 more transcripts); c.1394C>G, p.Pro465Arg (NM_001348220.1, NM_001369576.1, NM_001369577.1 and 6 more transcripts); c.1775C>G, p.Pro592Arg (NM_001243226.3); and 6 more; short protein forms P490R, P330R, P360R, P466R, P487R, P448R, P465R, P274R.
Identifiers: ClinVar variation 468947 (VCV000468947.9), dbSNP rs1555722023, ClinGen allele CA402531508.

ClinVar aggregate classification (germline): Likely pathogenic (1 of 4 stars; one submission).

Conditions:
Pitt-Hopkins syndrome (PTHS). Also called: ENCEPHALOPATHY, SEVERE EPILEPTIC, WITH AUTONOMIC DYSFUNCTION; MENTAL RETARDATION, SYNDROMAL, WITH INTERMITTENT HYPERVENTILATION. Identifiers: Orphanet 2896, MedGen C1970431, MONDO:0012589, OMIM 610954.

Submission:

Labcorp Genetics (formerly Invitae), Labcorp
Classification: Likely pathogenic for Pitt-Hopkins syndrome. Last evaluated: 2020-03-05. Review status: criteria provided, single submitter. Criteria: Invitae Variant Classification Sherloc (09022015). Collection method: clinical testing. Allele origin: germline.
Comment: This sequence change replaces proline with arginine at codon 490 of the TCF4 protein (p.Pro490Arg). The proline residue is moderately conserved and there is a moderate physicochemical difference between proline and arginine. In summary, this variant is a novel de novo missense change observed in an affected individual which suggests it is pathogenic, however, in the absence of functional data, it has been classified as Likely Pathogenic.. Algorithms developed to predict the effect of missense changes on protein structure and function do not agree on the potential impact of this missense change (SIFT: "Tolerated"; PolyPhen-2: "Possibly Damaging"; Align-GVGD: "Class C0"). This variant is not present in population databases (ExAC no frequency) and has not been reported in the literature in individuals with a TCF4-related disease.